The following is an entry in ClinVar:

ClinVar aggregate classification (germline): Uncertain significance. Review status: criteria provided, multiple submitters, no conflicts (2 of 4 stars). 2 submissions from 2 submitters: Uncertain significance (2). Last evaluated 2025-08-11.

Conditions:
Inborn genetic diseases. Identifiers: MedGen C0950123, MeSH D030342.

Allele frequency attached by ClinVar (database versions not stated): gnomAD exomes 0.00001; TOPMed 0.00002; ExAC 0.00003; ESP Exome Variant Server 0.00008; gnomAD 0.00003.
gnomAD v4.1: 13 of 1,543,922 alleles (0.00084%); highest among the groups gnomAD compares: Non-Finnish European, 0.0011%; no homozygotes.

Submissions (2):

GeneDx
Classification: Uncertain significance. Last evaluated: 2025-08-11. Review status: criteria provided, single submitter. Criteria: GeneDx Variant Classification Process June 2021. Collection method: clinical testing. Allele origin: germline. Affected: yes.
Comment: Not observed at significant frequency in large population cohorts (gnomAD); In silico analysis supports that this missense variant has a deleterious effect on protein structure/function; Has not been previously published as pathogenic or benign to our knowledge

Ambry Genetics
Classification: Uncertain significance for Inborn genetic diseases. Last evaluated: 2022-12-15. Review status: criteria provided, single submitter. Criteria: Ambry Variant Classification Scheme 2023. Collection method: clinical testing. Allele origin: germline.

NM_001378609.3(OTOGL):c.6373A>C (p.Asn2125His)

Gene: OTOGL (otogelin like; plus strand). Cytogenetic location: 12q21.31.
Variant type: single nucleotide variant.
Coding change: c.6373A>C on transcript NM_001378609.3 (MANE Select); coding-DNA position 6373, A replaced by C.
Protein change: p.Asn2125His; replaces asparagine 2125 with histidine.
Molecular consequence: missense variant.
Genome position (GRCh38, 1-based): chr12:80,367,602, A>C. VCF-style: chr12-80367602-A-C. GRCh37 (hg19) VCF-style: chr12-80761382-A-C.
Other names: c.6238A>C, p.Asn2080His (NM_001368062.3); c.6373A>C, p.Asn2125His (NM_001378610.3, NM_173591.7); short protein forms N2080H, N2125H.
Identifiers: ClinVar variation 2226243 (VCV002226243.3), dbSNP rs367771308, ClinGen allele CA6702027.
Genomic context (GRCh38, chr12:80,367,602, plus strand): 5'-CTATGTTTTCTGTTCTTAGAAAAGGATGATGTGTGTGTATTTCAAGAAGTATCAGTATTG[A>C]ATCCTGGACAATCCATGATAAAGTATTTGGAAGAAGACTTTTGTTATGCTATAGAGTGTC-3'
Protein context (NP_001365538.2, residues 2115-2135): VCVFQEVSVL[Asn2125His]PGQSMIKYLE